The following is an entry in ClinVar:

ClinVar aggregate classification (germline): Benign/Likely benign. Review status: criteria provided, multiple submitters, no conflicts (2 of 4 stars). 8 submissions from 7 submitters: Benign (4); Likely benign (3). 1 of the submissions does not count toward it. Last evaluated 2026-02-01.

Conditions:
Tumoral calcinosis, hyperphosphatemic, familial, 2. Identifiers: MedGen C4693863, MONDO:0060714, OMIM 617993.
Autosomal dominant hypophosphatemic rickets (ADHR). Also called: HYPOPHOSPHATEMIA, AUTOSOMAL DOMINANT; VITAMIN D-RESISTANT RICKETS, AUTOSOMAL DOMINANT. Identifiers: Orphanet 89937, MedGen C0342642, MONDO:0008660, OMIM 193100.
FGF23-related disorder. Also called: FGF23-related condition.

Allele frequency attached by ClinVar (database versions not stated): 1000 Genomes Project 30x 0.00156; 1000 Genomes Project 0.00200; gnomAD 0.00290; TOPMed 0.00355; ESP Exome Variant Server 0.00423.
gnomAD v4.1: 953 of 1,614,134 alleles (0.059%); highest among the groups gnomAD compares: African/African-American, 1.1%; 7 homozygotes.

Submissions (8):

Labcorp Genetics (formerly Invitae), Labcorp
Classification: Benign. Last evaluated: 2026-02-01. Review status: criteria provided, single submitter. Criteria: Invitae Variant Classification Sherloc (09022015). Collection method: clinical testing. Allele origin: germline.

Women's Health and Genetics/Laboratory Corporation of America, LabCorp
Classification: Benign. Last evaluated: 2024-12-06. Review status: criteria provided, single submitter. Criteria: LabCorp Variant Classification Summary - May 2015. Collection method: clinical testing. Allele origin: germline.

Fulgent Genetics
Classification: Likely benign for Autosomal dominant hypophosphatemic rickets; Tumoral calcinosis, hyperphosphatemic, familial, 2. Last evaluated: 2021-08-05. Review status: criteria provided, single submitter. Criteria: ACMG Guidelines, 2015. Collection method: clinical testing. Allele origin: unknown.

GeneDx
Classification: Likely benign. Last evaluated: 2018-09-18. Review status: criteria provided, single submitter. Criteria: GeneDx Variant Classification Process June 2021. Collection method: clinical testing. Allele origin: germline. Affected: yes.

Illumina Laboratory Services, Illumina
Classification: Benign for Tumoral calcinosis, hyperphosphatemic, familial, 2. Last evaluated: 2018-01-13. Review status: criteria provided, single submitter. Criteria: ICSL Variant Classification Criteria 13 December 2019. Collection method: clinical testing. Allele origin: germline.
Comment: This variant was observed in the ICSL laboratory as part of a predisposition screen in an ostensibly healthy population. It had not been previously curated by ICSL or reported in the Human Gene Mutation Database (HGMD: prior to June 1st, 2018), and was therefore a candidate for classification through an automated scoring system. Utilizing variant allele frequency, disease prevalence and penetrance estimates, and inheritance mode, an automated score was calculated to assess if this variant is too frequent to cause the disease. Based on the score and internal cut-off values, a variant classified as benign is not then subjected to further curation. The score for this variant resulted in a classification of benign for this disease.

Illumina Laboratory Services, Illumina
Classification: Benign for Autosomal dominant hypophosphatemic rickets. Last evaluated: 2018-01-13. Review status: criteria provided, single submitter. Criteria: ICSL Variant Classification Criteria 13 December 2019. Collection method: clinical testing. Allele origin: germline.
Comment: the same text as in the submission from Illumina Laboratory Services, Illumina above.

Breakthrough Genomics
Classification: Likely benign. Review status: criteria provided, single submitter. Criteria: ACMG Guidelines, 2015. Collection method: not provided. Allele origin: germline. Inheritance: Autosomal recessive inheritance. Affected: yes.

PreventionGenetics, part of Exact Sciences
Classification: Benign for FGF23-related condition. Last evaluated: 2019-09-20. Review status: no assertion criteria provided. Collection method: clinical testing. Allele origin: germline. Not counted in ClinVar's aggregate classification.
Comment: This variant is classified as benign based on ACMG/AMP sequence variant interpretation guidelines (Richards et al. 2015 PMID: 25741868, with internal and published modifications).

NM_020638.3(FGF23):c.423G>T (p.Ala141=)

Gene: FGF23 (fibroblast growth factor 23; minus strand). Cytogenetic location: 12p13.32.
Variant type: single nucleotide variant.
Coding change: c.423G>T on transcript NM_020638.3 (MANE Select); coding-DNA position 423, G replaced by T.
Protein change: p.Ala141=; no amino-acid change (alanine 141 retained).
Molecular consequence: synonymous variant.
Genome position (GRCh38, 1-based): chr12:4,370,676, C>A on the plus strand (G>T on the coding strand, the complement: FGF23 is on the minus strand). VCF-style: chr12-4370676-C-A. GRCh37 (hg19) VCF-style: chr12-4479842-C-A.
Identifiers: ClinVar variation 734177 (VCV000734177.20), dbSNP rs13312792, ClinGen allele CA6395684.